The following is an entry in ClinVar:

ClinVar aggregate classification (germline): Benign/Likely benign. Review status: criteria provided, multiple submitters, no conflicts (2 of 4 stars). 6 submissions from 6 submitters: Benign (1); Likely benign (4). 1 of the submissions does not count toward it. Last evaluated 2026-02-01.

Conditions:
DNAAF3-related disorder. Also called: DNAAF3-related condition.
Primary ciliary dyskinesia. Also called: Ciliary dyskinesia. Identifiers: Orphanet 244, MedGen C0008780, MONDO:0016575, HP:0012265.
Primary ciliary dyskinesia 2. Also called: CILIARY DYSKINESIA, PRIMARY, 2, WITH OR WITHOUT SITUS INVERSUS. Identifiers: Orphanet 244, MedGen C1847554, MONDO:0011718, OMIM 606763.

Allele frequency attached by ClinVar (database versions not stated): 1000 Genomes Project 30x 0.00094; ESP Exome Variant Server 0.00111; 1000 Genomes Project 0.00080.
gnomAD v4.1: 5,459 of 1,613,046 alleles (0.34%); highest among the groups gnomAD compares: Non-Finnish European, 0.42%; 19 homozygotes.

Submissions (9):

Labcorp Genetics (formerly Invitae), Labcorp
Classification: Benign for Primary ciliary dyskinesia. Last evaluated: 2026-02-01. Review status: criteria provided, single submitter. Criteria: Invitae Variant Classification Sherloc (09022015). Collection method: clinical testing. Allele origin: germline.

Mayo Clinic Laboratories, Mayo Clinic
Classification: Likely benign. Last evaluated: 2025-05-19. Review status: criteria provided, single submitter. Criteria: ACMG Guidelines, 2015. Collection method: clinical testing. Allele origin: germline. Observed: 1 variant allele.
Comment: BS1, BS2_supporting, PP3

CeGaT Center for Human Genetics Tuebingen
Classification: Likely benign. Last evaluated: 2025-04-01. Review status: criteria provided, single submitter. Criteria: CeGaT Center For Human Genetics Tuebingen Variant Classification Criteria Version 2. Collection method: clinical testing. Allele origin: germline. Affected: yes. Observed: 2 variant alleles.
Comment: DNAAF3: BS2

Blueprint Genetics
Classification: Likely benign. Last evaluated: 2024-11-07. Review status: criteria provided, single submitter. Criteria: ACMG Guidelines, 2015. Collection method: clinical testing. Allele origin: germline.

ARUP Laboratories, Molecular Genetics and Genomics, ARUP Laboratories
Classification: Likely benign for Primary ciliary dyskinesia 2. Last evaluated: 2023-09-04. Review status: criteria provided, single submitter. Criteria: ARUP Molecular Germline Variant Investigation Process 2024. Collection method: clinical testing. Allele origin: germline.

PreventionGenetics, part of Exact Sciences
Classification: Likely benign for DNAAF3-related condition. Last evaluated: 2022-06-13. Review status: no assertion criteria provided. Collection method: clinical testing. Allele origin: germline. Not counted in ClinVar's aggregate classification.
Comment: This variant is classified as likely benign based on ACMG/AMP sequence variant interpretation guidelines (Richards et al. 2015 PMID: 25741868, with internal and published modifications).

Dr. Peter K. Rogan Lab, Western University
No classification provided (evidence only). Condition: Familial cancer of breast. Review status: no classification provided. Collection method: in vitro. Allele origin: not applicable. Functional consequence: retained intron. Not counted in ClinVar's aggregate classification.

Dr. Peter K. Rogan Lab, Western University
No classification provided (evidence only). Condition: Cervical cancer. Review status: no classification provided. Collection method: in vitro. Allele origin: not applicable. Functional consequence: retained intron. Not counted in ClinVar's aggregate classification.

Dr. Peter K. Rogan Lab, Western University
No classification provided (evidence only). Condition: Ovarian serous cystadenocarcinoma. Review status: no classification provided. Collection method: in vitro. Allele origin: not applicable. Functional consequence: retained intron. Not counted in ClinVar's aggregate classification.

NM_001256715.2(DNAAF3):c.1163+10G>T

Genes: DNAAF3 (dynein axonemal assembly factor 3; minus strand), DNAAF3-AS1 (DNAAF3 antisense RNA 1; plus strand). Cytogenetic location: 19q13.42.
Variant type: single nucleotide variant.
Coding change: c.1163+10G>T on transcript NM_001256715.2 (MANE Select); 10 bases into the intron after coding-DNA position 1163, G replaced by T.
Molecular consequence: intron variant.
Genome position (GRCh38, 1-based): chr19:55,159,889, C>A on the plus strand (G>T on the coding strand, the complement: DNAAF3 is on the minus strand). VCF-style: chr19-55159889-C-A. GRCh37 (hg19) VCF-style: chr19-55671257-C-A.
Other names: p.?; c.1304+10G>T (NM_178837.4); c.1364+10G>T (NM_001256714.1); c.1001+10G>T (NM_001256716.2).
Identifiers: ClinVar variation 238683 (VCV000238683.33), dbSNP rs200324983, ClinGen allele CA9667889.